The following is an entry in ClinVar:

NM_032383.5(HPS3):c.2546C>T (p.Ser849Phe)

Genes: CP (ceruloplasmin; minus strand), HPS3 (HPS3 biogenesis of lysosomal organelles complex 2 subunit 1; plus strand). Cytogenetic location: 3q24.
Variant type: single nucleotide variant.
Coding change: c.2546C>T on transcript NM_032383.5 (MANE Select); coding-DNA position 2546, C replaced by T.
Protein change: p.Ser849Phe; replaces serine 849 with phenylalanine.
Molecular consequence: missense variant.
Genome position (GRCh38, 1-based): chr3:149,163,906, C>T. VCF-style: chr3-149163906-C-T. GRCh37 (hg19) VCF-style: chr3-148881693-C-T.
Other names: c.2051C>T, p.Ser684Phe (NM_001308258.2); c.2546C>T (NM_032383.3, NM_032383.4); short protein forms S684F, S849F.
Identifiers: ClinVar variation 2147543 (VCV002147543.4), dbSNP rs371304067, ClinGen allele CA2660392.

ClinVar aggregate classification (germline): Uncertain significance. Review status: criteria provided, multiple submitters, no conflicts (2 of 4 stars). 4 submissions from 4 submitters: Uncertain significance (4). Last evaluated 2025-09-04.

Conditions:
HPS3-related disorder. Also called: HPS3-related condition.
Inborn genetic diseases. Identifiers: MedGen C0950123, MeSH D030342.

Allele frequency attached by ClinVar (database versions not stated): ExAC 0.00003; gnomAD 0.00004; ESP Exome Variant Server 0.00015.
gnomAD v4.1: 38 of 1,579,606 alleles (0.0024%); highest among the groups gnomAD compares: Admixed American, 0.005%; no homozygotes.

Submissions (4):

PreventionGenetics, part of Exact Sciences
Classification: Uncertain significance for HPS3-related condition. Last evaluated: 2025-09-04. Review status: criteria provided, single submitter. Criteria: ACMG Guidelines, 2015. Collection method: clinical testing. Allele origin: germline.
Comment: The HPS3 c.2546C>T variant is predicted to result in the amino acid substitution p.Ser849Phe. To our knowledge, this variant has not been reported in the literature. This variant is present in 0.0057% of alleles in individuals of Latino descent in gnomAD. At this time, the clinical significance of this variant is uncertain due to the absence of conclusive functional and genetic evidence.

Ambry Genetics
Classification: Uncertain significance for Inborn genetic diseases. Last evaluated: 2025-04-10. Review status: criteria provided, single submitter. Criteria: Ambry Variant Classification Scheme 2023. Collection method: clinical testing. Allele origin: germline.

GeneDx
Classification: Uncertain significance. Last evaluated: 2022-12-15. Review status: criteria provided, single submitter. Criteria: GeneDx Variant Classification Process June 2021. Collection method: clinical testing. Allele origin: germline. Affected: yes.
Comment: In silico analysis supports that this missense variant has a deleterious effect on protein structure/function; Has not been previously published as pathogenic or benign to our knowledge

Labcorp Genetics (formerly Invitae), Labcorp
Classification: Uncertain significance. Last evaluated: 2022-04-28. Review status: criteria provided, single submitter. Criteria: Invitae Variant Classification Sherloc (09022015). Collection method: clinical testing. Allele origin: germline.
Comment: This sequence change replaces serine, which is neutral and polar, with phenylalanine, which is neutral and non-polar, at codon 849 of the HPS3 protein (p.Ser849Phe). This variant is present in population databases (rs371304067, gnomAD 0.006%). This variant has not been reported in the literature in individuals affected with HPS3-related conditions. Algorithms developed to predict the effect of missense changes on protein structure and function are either unavailable or do not agree on the potential impact of this missense change (SIFT: "Deleterious"; PolyPhen-2: "Possibly Damaging"; Align-GVGD: "Class C0"). Algorithms developed to predict the effect of sequence changes on RNA splicing suggest that this variant may create or strengthen a splice site. In summary, the available evidence is currently insufficient to determine the role of this variant in disease. Therefore, it has been classified as a Variant of Uncertain Significance.